The following is an entry in ClinVar:

ClinVar aggregate classification (germline): Uncertain significance (1 of 4 stars; one submission).

Submission:

Greenwood Genetic Center Diagnostic Laboratories, Greenwood Genetic Center
Classification: Uncertain significance. Last evaluated: 2025-05-06. Review status: criteria provided, single submitter. Criteria: ACMG Guidelines, 2015. Collection method: clinical testing. Allele origin: germline. Affected: yes.
Comment: PM2

NM_032242.4(PLXNA1):c.4069C>T (p.Leu1357=)

Gene: PLXNA1 (plexin A1; plus strand). Cytogenetic location: 3q21.3.
Variant type: single nucleotide variant.
Coding change: c.4069C>T on transcript NM_032242.4 (MANE Select); coding-DNA position 4069, C replaced by T.
Protein change: p.Leu1357=; no amino-acid change (leucine 1357 retained).
Molecular consequence: synonymous variant.
Genome position (GRCh38, 1-based): chr3:127,022,115, C>T. VCF-style: chr3-127022115-C-T. GRCh37 (hg19) VCF-style: chr3-126740958-C-T.
Identifiers: ClinVar variation 4538209 (VCV004538209.1).